The following is an entry in ClinVar:

ClinVar aggregate classification (germline): Benign/Likely benign. Review status: criteria provided, multiple submitters, no conflicts (2 of 4 stars). 8 submissions from 7 submitters: Benign (3); Likely benign (5). Last evaluated 2026-07-01.

Conditions:
Muscular dystrophy-dystroglycanopathy type B6 (MDDGB6). Also called: MUSCULAR DYSTROPHY-DYSTROGLYCANOPATHY (CONGENITAL WITH IMPAIRED INTELLECTUAL DEVELOPMENT), TYPE B, 6; MUSCULAR DYSTROPHY, CONGENITAL, LARGE-RELATED; MUSCULAR DYSTROPHY, CONGENITAL, TYPE 1D. Identifiers: MedGen C1837229, MONDO:0012138, OMIM 608840.
Muscular dystrophy-dystroglycanopathy (congenital with brain and eye anomalies), type A6. Also called: WALKER-WARBURG SYNDROME OR MUSCLE-EYE-BRAIN DISEASE, LARGE-RELATED; MUSCULAR DYSTROPHY-DYSTROGLYCANOPATHY (CONGENITAL WITH BRAIN AND EYE ANOMALIES), TYPE A, 6. Identifiers: Orphanet 588, Orphanet 899, MedGen C3150414, MONDO:0013158, OMIM 613154.

Allele frequency attached by ClinVar (database versions not stated): gnomAD exomes 0.00099; ExAC 0.00115; 1000 Genomes Project 0.00339; 1000 Genomes Project 30x 0.00390; gnomAD 0.00397 and 0.00430; TOPMed 0.00418; ESP Exome Variant Server 0.00462.
gnomAD v4.1: 1,162 of 1,604,306 alleles (0.072%); highest among the groups gnomAD compares: African/African-American, 1.4%; 7 homozygotes.

Submissions (9):

CeGaT Center for Human Genetics Tuebingen
Classification: Likely benign. Last evaluated: 2026-07-01. Review status: criteria provided, single submitter. Criteria: CeGaT Center For Human Genetics Tuebingen Variant Classification Criteria Version 2. Collection method: clinical testing. Allele origin: germline. Affected: yes. Observed: 3 variant alleles.
Comment: LARGE1: BP4, BS1

Labcorp Genetics (formerly Invitae), Labcorp
Classification: Benign for Muscular dystrophy-dystroglycanopathy type B6. Last evaluated: 2026-02-04. Review status: criteria provided, single submitter. Criteria: Invitae Variant Classification Sherloc (09022015). Collection method: clinical testing. Allele origin: germline.

Blueprint Genetics
Classification: Likely benign. Last evaluated: 2024-10-18. Review status: criteria provided, single submitter. Criteria: ACMG Guidelines, 2015. Collection method: clinical testing. Allele origin: germline.

GeneDx
Classification: Benign. Last evaluated: 2019-02-19. Review status: criteria provided, single submitter. Criteria: GeneDx Variant Classification Process June 2021. Collection method: clinical testing. Allele origin: germline. Affected: yes.

Athena Diagnostics
Classification: Benign. Last evaluated: 2018-09-14. Review status: criteria provided, single submitter. Criteria: Athena Diagnostics Criteria. Collection method: clinical testing. Allele origin: germline.

Illumina Laboratory Services, Illumina
Classification: Likely benign for Muscular dystrophy-dystroglycanopathy type B6. Last evaluated: 2018-01-13. Review status: criteria provided, single submitter. Criteria: ICSL Variant Classification Criteria 13 December 2019. Collection method: clinical testing. Allele origin: germline.
Comment: This variant was observed in the ICSL laboratory as part of a predisposition screen in an ostensibly healthy population. It had not been previously curated by ICSL or reported in the Human Gene Mutation Database (HGMD: prior to June 1st, 2018), and was therefore a candidate for classification through an automated scoring system. Utilizing variant allele frequency, disease prevalence and penetrance estimates, and inheritance mode, an automated score was calculated to assess if this variant is too frequent to cause the disease. Based on the score and internal cut-off values, a variant classified as likely benign is not then subjected to further curation. The score for this variant resulted in a classification of likely benign for this disease.

Illumina Laboratory Services, Illumina
Classification: Likely benign for Muscular dystrophy-dystroglycanopathy (congenital with brain and eye anomalies), type A6. Last evaluated: 2018-01-13. Review status: criteria provided, single submitter. Criteria: ICSL Variant Classification Criteria 13 December 2019. Collection method: clinical testing. Allele origin: germline.
Comment: the same text as in the submission from Illumina Laboratory Services, Illumina above.

Genetic Services Laboratory, University of Chicago
Classification: Likely benign. Last evaluated: 2016-06-03. Review status: criteria provided, single submitter. Criteria: ACMG Guidelines, 2015. Collection method: clinical testing. Allele origin: germline. Affected: no.

Dr. Peter K. Rogan Lab, Western University
No classification provided (evidence only). Condition: Lung cancer. Review status: no classification provided. Collection method: in vitro. Allele origin: not applicable. Functional consequence: retained intron. Not counted in ClinVar's aggregate classification.

NM_133642.5(LARGE1):c.163A>G (p.Thr55Ala)

Gene: LARGE1 (LARGE xylosyl- and glucuronyltransferase 1; minus strand). Cytogenetic location: 22q12.3.
Variant type: single nucleotide variant.
Coding change: c.163A>G on transcript NM_133642.5 (MANE Select); coding-DNA position 163, A replaced by G.
Protein change: p.Thr55Ala; replaces threonine 55 with alanine.
Molecular consequence: missense variant.
Genome position (GRCh38, 1-based): chr22:33,650,612, T>C on the plus strand (A>G on the coding strand, the complement: LARGE1 is on the minus strand). VCF-style: chr22-33650612-T-C. GRCh37 (hg19) VCF-style: chr22-34046598-T-C.
Other names: c.163A>G, p.Thr55Ala (NM_001362949.2, NM_001362951.2, NM_001362953.2 and 7 more transcripts); short protein forms T55A.
Identifiers: ClinVar variation 341438 (VCV000341438.40), dbSNP rs34642406, ClinGen allele CA10203142.